The following is an entry in ClinVar:

NM_025114.4(CEP290):c.1103C>T (p.Thr368Ile)

Gene: CEP290 (centrosomal protein 290; minus strand). Cytogenetic location: 12q21.32.
Variant type: single nucleotide variant.
Coding change: c.1103C>T on transcript NM_025114.4 (MANE Select); coding-DNA position 1103, C replaced by T.
Protein change: p.Thr368Ile; replaces threonine 368 with isoleucine.
Molecular consequence: missense variant.
Genome position (GRCh38, 1-based): chr12:88,125,332, G>A on the plus strand (C>T on the coding strand, the complement: CEP290 is on the minus strand). VCF-style: chr12-88125332-G-A. GRCh37 (hg19) VCF-style: chr12-88519109-G-A.
Other names: c.1103C>T (NM_025114.3); short protein forms T368I.
Identifiers: ClinVar variation 2194426 (VCV002194426.4), dbSNP rs886648506, ClinGen allele CA241154778.
Genomic context (GRCh38, chr12:88,125,332, plus strand): 5'-AAATCTTCAATAATACAAGTATTCTTTTCCATTTCTTTTGTATATTGTTCTACTTGTTCG[G>A]TGAGCATCTTAATTTGACTGTCTCGTTCCTGTATACCCTATAAAATATTTTAAAACAATA-3'
Protein context (NP_079390.3, residues 358-378): QERDSQIKML[Thr368Ile]EQVEQYTKEM

ClinVar aggregate classification (germline): Uncertain significance. Review status: criteria provided, multiple submitters, no conflicts (2 of 4 stars). 2 submissions from 2 submitters: Uncertain significance (2). Last evaluated 2024-10-28.

Conditions:
CEP290-related disorder. Also called: CEP290-related condition; CEP290-related disorders. Identifiers: MedGen CN239314.
Joubert syndrome. Also called: CEREBELLOPARENCHYMAL DISORDER IV; JOUBERT-BOLTSHAUSER SYNDROME; Familial aplasia of the vermis. Identifiers: Orphanet 475, MedGen C5979921, MONDO:0018772.
Nephronophthisis. Also called: Juvenile Nephronophthisis. Identifiers: Orphanet 655, MedGen C0687120, MONDO:0019005, HP:0000090.
Meckel-Gruber syndrome. Also called: DYSENCEPHALIA SPLANCHNOCYSTICA; GRUBER SYNDROME; Dysencephalia splachnocystica. Identifiers: Orphanet 564, MedGen C0265215, MONDO:0018921.

Allele frequency attached by ClinVar (database versions not stated): gnomAD 0.00001; TOPMed 0.00001.
gnomAD v4.1: 5 of 1,314,828 alleles (0.00038%); highest among the groups gnomAD compares: African/African-American, 0.0046%; no homozygotes.

Submissions (2):

Labcorp Genetics (formerly Invitae), Labcorp
Classification: Uncertain significance for Joubert syndrome; Meckel-Gruber syndrome; Nephronophthisis. Last evaluated: 2024-10-28. Review status: criteria provided, single submitter. Criteria: Invitae Variant Classification Sherloc (09022015). Collection method: clinical testing. Allele origin: germline.
Comment: This sequence change replaces threonine, which is neutral and polar, with isoleucine, which is neutral and non-polar, at codon 368 of the CEP290 protein (p.Thr368Ile). This variant is not present in population databases (gnomAD no frequency). This variant has not been reported in the literature in individuals affected with CEP290-related conditions. ClinVar contains an entry for this variant (Variation ID: 2194426). Invitae Evidence Modeling of protein sequence and biophysical properties (such as structural, functional, and spatial information, amino acid conservation, physicochemical variation, residue mobility, and thermodynamic stability) indicates that this missense variant is expected to disrupt CEP290 protein function with a positive predictive value of 80%. In summary, the available evidence is currently insufficient to determine the role of this variant in disease. Therefore, it has been classified as a Variant of Uncertain Significance.

PreventionGenetics, part of Exact Sciences
Classification: Uncertain significance for CEP290-related condition. Last evaluated: 2023-05-15. Review status: criteria provided, single submitter. Criteria: ACMG Guidelines, 2015. Collection method: clinical testing. Allele origin: germline.
Comment: The CEP290 c.1103C>T variant is predicted to result in the amino acid substitution p.Thr368Ile. To our knowledge, this variant has not been reported in the literature or in a large population database, indicating this variant is rare. At this time, the clinical significance of this variant is uncertain due to the absence of conclusive functional and genetic evidence.